The following is an entry in ClinVar:

NM_004646.4(NPHS1):c.3523_3524del (p.Leu1175fs)

Gene: NPHS1 (NPHS1 adhesion molecule, nephrin; minus strand). Cytogenetic location: 19q13.12.
Variant type: Deletion.
Coding change: c.3523_3524del on transcript NM_004646.4 (MANE Select); coding-DNA positions 3523 to 3524, 2 bases deleted (TT; older notation c.3523_3524delTT).
Protein change: p.Leu1175fs; shifts the reading frame from leucine 1175.
Molecular consequence: frameshift variant.
Genome position (GRCh38, 1-based): chr19:35,830,914-35,830,915, AA deleted on the plus strand (TT on the coding strand, the reverse complement: NPHS1 is on the minus strand). VCF-style (leftmost placement, unchanged base first): chr19-35830913-CAA-C. GRCh37 (hg19) VCF-style: chr19-36321815-CAA-C.
Other names: c.3523_3524delTT (NM_004646.3); short protein forms L1175fs.
Identifiers: ClinVar variation 807454 (VCV000807454.10), dbSNP rs1420307327, ClinGen allele CA632775377.

ClinVar aggregate classification (germline): Pathogenic. Review status: criteria provided, multiple submitters, no conflicts (2 of 4 stars). 4 submissions from 4 submitters: Pathogenic (4). Last evaluated 2025-11-06.

Conditions:
Finnish congenital nephrotic syndrome (NPHS1). Also called: NEPHROTIC SYNDROME, TYPE 1. Identifiers: Orphanet 839, MedGen C0403399, MONDO:0009732, OMIM 256300.

Allele frequency attached by ClinVar (database versions not stated): gnomAD exomes below 0.00001; gnomAD 0.00001.

Submissions (4):

Natera, Inc.
Classification: Pathogenic for Finnish congenital nephrotic syndrome. Last evaluated: 2025-11-06. Review status: criteria provided, single submitter. Criteria: Natera Variant Classification Schema (03/2026). Collection method: clinical testing. Allele origin: germline.
Comment: The c.3523_3524delTT variant in NPHS1 is a frameshift variant predicted to shift the reading frame beginning at codon 1175 and leads to a stop codon 2 codons downstream. This variant is expected to result in nonsense mediated decay, truncation, or a dysfunctional protein product. This variant is rare in the general population with a frequency below the threshold expected for the associated phenotype(s). This variant has been observed in one or more individuals affected with the associated recessive disease, as either homozygous or compound heterozygous with a second variant (PMID: 36245711). Given the available evidence, this variant is classified as Pathogenic.

Labcorp Genetics (formerly Invitae), Labcorp
Classification: Pathogenic. Last evaluated: 2023-07-17. Review status: criteria provided, single submitter. Criteria: Invitae Variant Classification Sherloc (09022015). Collection method: clinical testing. Allele origin: germline.
Comment: For these reasons, this variant has been classified as Pathogenic. ClinVar contains an entry for this variant (Variation ID: 807454). This premature translational stop signal has been observed in individual(s) with nephrotic syndrome (PMID: 34859019). This variant is present in population databases (no rsID available, gnomAD 0.006%). This sequence change creates a premature translational stop signal (p.Leu1175Valfs*2) in the NPHS1 gene. It is expected to result in an absent or disrupted protein product. Loss-of-function variants in NPHS1 are known to be pathogenic (PMID: 11317351, 11854170, 12039988).

Baylor Genetics
Classification: Pathogenic for Finnish congenital nephrotic syndrome. Last evaluated: 2023-07-12. Review status: criteria provided, single submitter. Criteria: ACMG Guidelines, 2015. Collection method: clinical testing. Allele origin: unknown.

Institute of Human Genetics Munich, TUM University Hospital
Classification: Pathogenic for Finnish congenital nephrotic syndrome. Last evaluated: 2019-06-07. Review status: criteria provided, single submitter. Criteria: Classification criteria August 2017. Collection method: clinical testing. Allele origin: germline. Inheritance: Autosomal recessive inheritance. Affected: yes. Observed: 1 homozygote.

Literature cited by the submitters: PubMed 36245711 (cited by Natera, Inc.); PubMed 34859019 (cited by Labcorp Genetics (formerly Invitae), Labcorp); PubMed 11317351 (cited by Labcorp Genetics (formerly Invitae), Labcorp); PubMed 11854170 (cited by Labcorp Genetics (formerly Invitae), Labcorp); PubMed 12039988 (cited by Labcorp Genetics (formerly Invitae), Labcorp).